The following is an entry in ClinVar:

NM_007294.4(BRCA1):c.418A>G (p.Ser140Gly)

Gene: BRCA1 (BRCA1 DNA repair associated; minus strand). Cytogenetic location: 17q21.31.
Variant type: single nucleotide variant.
Coding change: c.418A>G on transcript NM_007294.4 (MANE Select); coding-DNA position 418, A replaced by G.
Protein change: p.Ser140Gly; replaces serine 140 with glycine.
Molecular consequence: missense variant. On other transcripts: intron variant (2).
Genome position (GRCh38, 1-based): chr17:43,104,145, T>C on the plus strand (A>G on the coding strand, the complement: BRCA1 is on the minus strand). VCF-style: chr17-43104145-T-C. GRCh37 (hg19) VCF-style: chr17-41256162-T-C.
Other names: c.208A>G, p.Ser70Gly (NM_001407571.1, NM_001407853.1, NM_001407879.1 and 58 more transcripts); c.418A>G, p.Ser140Gly (NM_001407581.1, NM_001407582.1, NM_001407583.1 and 164 more transcripts); c.409A>G, p.Ser137Gly (NM_001407646.1, NM_001407647.1, NM_001408408.1); c.340A>G, p.Ser114Gly (NM_001407653.1, NM_001407654.1, NM_001407655.1 and 21 more transcripts); c.277A>G, p.Ser93Gly (NM_001407692.1, NM_001407694.1, NM_001407695.1 and 99 more transcripts); c.37A>G, p.Ser13Gly (NM_001407959.1, NM_001407960.1, NM_001407962.1 and 4 more transcripts); c.286A>G, p.Ser96Gly (NM_001408451.1); c.-218-9285A>G (NM_001407967.1, NM_001407966.1); short protein forms S114G, S137G, S13G, S140G, S70G, S93G, S96G.
Identifiers: ClinVar variation 3366033 (VCV003366033.1).

ClinVar aggregate classification (germline): Uncertain significance (1 of 4 stars; one submission).

Submission:

GeneDx
Classification: Uncertain significance. Last evaluated: 2024-04-16. Review status: criteria provided, single submitter. Criteria: GeneDx Variant Classification Process June 2021. Collection method: clinical testing. Allele origin: germline. Affected: yes.
Comment: Not observed at significant frequency in large population cohorts (gnomAD); In silico analysis indicates that this missense variant does not alter protein structure/function; Observed in biliary tract cancer cases and not observed in controls (PMID: 36243179); Also known as 537A>G; This variant is associated with the following publications: (PMID: 20215511, 36243179)